The following is an entry in ClinVar:

NM_001291303.3(FAT4):c.2021G>A (p.Arg674His)

Gene: FAT4 (FAT atypical cadherin 4; plus strand). Cytogenetic location: 4q28.1.
Variant type: single nucleotide variant.
Coding change: c.2021G>A on transcript NM_001291303.3 (MANE Select); coding-DNA position 2021, G replaced by A.
Protein change: p.Arg674His; replaces arginine 674 with histidine.
Molecular consequence: missense variant.
Genome position (GRCh38, 1-based): chr4:125,318,432, G>A. VCF-style: chr4-125318432-G-A. GRCh37 (hg19) VCF-style: chr4-126239587-G-A.
Other names: c.2021G>A, p.Arg674His (NM_001291285.3, NM_024582.6); c.2021G>A (NM_024582.4); short protein forms R674H.
Identifiers: ClinVar variation 1384627 (VCV001384627.5), dbSNP rs759309740, ClinGen allele CA3072100.

ClinVar aggregate classification (germline): Uncertain significance. Review status: criteria provided, multiple submitters, no conflicts (2 of 4 stars). 2 submissions from 2 submitters: Uncertain significance (2). Last evaluated 2023-11-10.

Conditions:
Inborn genetic diseases. Identifiers: MedGen C0950123, MeSH D030342.

Allele frequency attached by ClinVar (database versions not stated): ExAC 0.00004; gnomAD exomes 0.00004.
gnomAD v4.1: 129 of 1,613,980 alleles (0.008%); highest among the groups gnomAD compares: Non-Finnish European, 0.01%; no homozygotes.

Submissions (2):

Labcorp Genetics (formerly Invitae), Labcorp
Classification: Uncertain significance. Last evaluated: 2023-11-10. Review status: criteria provided, single submitter. Criteria: Invitae Variant Classification Sherloc (09022015). Collection method: clinical testing. Allele origin: germline.
Comment: This sequence change replaces arginine, which is basic and polar, with histidine, which is basic and polar, at codon 674 of the FAT4 protein (p.Arg674His). This variant is present in population databases (rs759309740, gnomAD 0.009%). This variant has not been reported in the literature in individuals affected with FAT4-related conditions. ClinVar contains an entry for this variant (Variation ID: 1384627). Advanced modeling of protein sequence and biophysical properties (such as structural, functional, and spatial information, amino acid conservation, physicochemical variation, residue mobility, and thermodynamic stability) performed at Invitae indicates that this missense variant is not expected to disrupt FAT4 protein function with a negative predictive value of 80%. In summary, the available evidence is currently insufficient to determine the role of this variant in disease. Therefore, it has been classified as a Variant of Uncertain Significance.

Ambry Genetics
Classification: Uncertain significance for Inborn genetic diseases. Last evaluated: 2023-02-16. Review status: criteria provided, single submitter. Criteria: Ambry Variant Classification Scheme 2023. Collection method: clinical testing. Allele origin: germline.